The following is an entry in ClinVar:

ClinVar aggregate classification (germline): Likely pathogenic (1 of 4 stars; one submission).

Conditions:
Dilated cardiomyopathy 1G (CMD1G). Identifiers: Orphanet 154, MedGen C1858763, MONDO:0011400, OMIM 604145.
Autosomal recessive limb-girdle muscular dystrophy type 2J (LGMDR10). Also called: Limb-girdle muscular dystrophy, type 2J; MUSCULAR DYSTROPHY, LIMB-GIRDLE, AUTOSOMAL RECESSIVE 10. Identifiers: Orphanet 140922, MedGen C1837342, MONDO:0012127, OMIM 608807.

Submission:

Labcorp Genetics (formerly Invitae), Labcorp
Classification: Likely pathogenic for Dilated cardiomyopathy 1G; Autosomal recessive limb-girdle muscular dystrophy type 2J. Last evaluated: 2023-07-25. Review status: criteria provided, single submitter. Criteria: Invitae Variant Classification Sherloc (09022015). Collection method: clinical testing. Allele origin: germline.
Comment: This variant has not been reported in the literature in individuals affected with TTN-related conditions. In summary, the currently available evidence indicates that the variant is pathogenic, but additional data are needed to prove that conclusively. Therefore, this variant has been classified as Likely Pathogenic. This variant is located in the A band of TTN (PMID: 25589632). Truncating variants in this region are significantly overrepresented in patients affected with dilated cardiomyopathy (PMID: 25589632). Truncating variants in this region have also been reported in individuals affected with autosomal recessive centronuclear myopathy (PMID: 23975875). This variant is not present in population databases (gnomAD no frequency). This sequence change creates a premature translational stop signal (p.Asp23166Glufs*62) in the TTN gene. While this is not anticipated to result in nonsense mediated decay, it is expected to create a truncated TTN protein.

Literature cited by the submitters: PubMed 25589632; PubMed 23975875.

NM_001267550.2(TTN):c.69497dup (p.Asp23166fs)

Genes: TTN (titin; minus strand), TTN-AS1 (TTN antisense RNA 1; plus strand). Cytogenetic location: 2q31.2.
Variant type: Duplication.
Coding change: c.69497dup on transcript NM_001267550.2 (MANE Select); coding-DNA position 69497, one base duplicated (A; older notation c.69497dupA).
Protein change: p.Asp23166fs; shifts the reading frame from aspartic acid 23166.
Molecular consequence: frameshift variant.
Genome position (GRCh38, 1-based): chr2:178,576,747, T duplicated on the plus strand (A on the coding strand, the reverse complement: TTN is on the minus strand). VCF-style (leftmost placement, unchanged base first): chr2-178576746-A-AT. GRCh37 (hg19) VCF-style: chr2-179441473-A-AT.
Other names: c.64574dup, p.Asp21525fs (NM_001256850.1); c.42302dup, p.Asp14101fs (NM_003319.4); c.61793dup, p.Asp20598fs (NM_133378.4); c.42677dup, p.Asp14226fs (NM_133432.3); c.42878dup, p.Asp14293fs (NM_133437.4); short protein forms D20598fs, D14101fs, D21525fs, D14226fs, D14293fs, D23166fs.
Identifiers: ClinVar variation 2948536 (VCV002948536.3), dbSNP rs2468746334, ClinGen allele CA2740096036.
Genomic context (GRCh38, chr2:178,576,746, plus strand): 5'-CCATCGCAGGCTTTTCTTTTCTCTCCTTTCTACATGATATCCTGTAATTTCGCTGCCACC[A>AT]TCATCCACTGGCCTTTTCCAGCTGACAGTGGCAGTGTTCTTAGTGACATTTGATACCTCT-3'